The following is an entry in ClinVar:

ClinVar aggregate classification (germline): Conflicting classifications of pathogenicity. Review status: criteria provided, conflicting classifications (1 of 4 stars). 2 submissions from 2 submitters: Uncertain significance (1); Likely benign (1). Last evaluated 2023-03-23.

Conditions:
Hereditary cancer-predisposing syndrome. Also called: Tumor predisposition; Hereditary neoplastic syndrome; Hereditary Cancer Syndrome; Neoplastic Syndromes, Hereditary. Identifiers: Orphanet 140162, MedGen C0027672, MeSH D009386, MONDO:0015356.
Hereditary breast ovarian cancer syndrome. Also called: Hereditary breast and ovarian cancer; Breast and ovarian cancer; Hereditary breast and ovarian cancer syndrome; BRCA1- and BRCA2-Associated Hereditary Breast and Ovarian Cancer; Hereditary breast and/or ovarian cancer syndrome; Hereditary breast and ovarian cancer syndrome (HBOC). Identifiers: Orphanet 145, MedGen C0677776, MeSH D061325, MONDO:0003582. Disease mechanism: loss of function.

Submissions (2):

University of Washington Department of Laboratory Medicine, University of Washington
Classification: Likely benign for Hereditary cancer-predisposing syndrome. Last evaluated: 2023-03-23. Review status: criteria provided, single submitter. Criteria: Dines et al. (Genet Med. 2020). Collection method: curation. Allele origin: germline.
Comment: Missense variant in a coldspot region where missense variants are very unlikely to be pathogenic (PMID:31911673).

BRCA1 coldspot (exon 11 using historical exon numbering). Reclassification based on statistical prior probability

Labcorp Genetics (formerly Invitae), Labcorp
Classification: Uncertain significance for Hereditary breast ovarian cancer syndrome. Last evaluated: 2018-05-10. Review status: criteria provided, single submitter. Criteria: Invitae Variant Classification Sherloc (09022015). Collection method: clinical testing. Allele origin: germline.
Comment: In summary, the available evidence is currently insufficient to determine the role of this variant in disease. Therefore, it has been classified as a Variant of Uncertain Significance. This variant is not present in population databases (ExAC no frequency). This variant has not been reported in the literature in individuals with BRCA1-related disease. Algorithms developed to predict the effect of missense changes on protein structure and function (SIFT, PolyPhen-2, Align-GVGD) all suggest that this variant is likely to be tolerated, but these predictions have not been confirmed by published functional studies and their clinical significance is uncertain. This sequence change replaces isoleucine with lysine at codon 1159 of the BRCA1 protein (p.Ile1159Lys). The isoleucine residue is moderately conserved and there is a moderate physicochemical difference between isoleucine and lysine.

NM_007294.4(BRCA1):c.3476T>A (p.Ile1159Lys)

Genes: BRCA1 (BRCA1 DNA repair associated; minus strand), LOC126862571 (BRD4-independent group 4 enhancer GRCh37_chr17:41243136-41244335; plus strand). Cytogenetic location: 17q21.31.
Variant type: single nucleotide variant.
Coding change: c.3476T>A on transcript NM_007294.4 (MANE Select); coding-DNA position 3476, T replaced by A.
Protein change: p.Ile1159Lys; replaces isoleucine 1159 with lysine.
Molecular consequence: missense variant. On other transcripts: intron variant (135).
Genome position (GRCh38, 1-based): chr17:43,092,055, A>T on the plus strand (T>A on the coding strand, the complement: BRCA1 is on the minus strand). VCF-style: chr17-43092055-A-T. GRCh37 (hg19) VCF-style: chr17-41244072-A-T.
Other names: c.3266T>A, p.Ile1089Lys (NM_001407909.1, NM_001407910.1, NM_001407879.1 and 13 more transcripts); c.3140T>A, p.Ile1047Lys (NM_001407955.1, NM_001407956.1, NM_001407958.1 and 1 more transcripts); c.3263T>A, p.Ile1088Lys (NM_001407915.1, NM_001407916.1, NM_001407917.1 and 9 more transcripts); c.3143T>A, p.Ile1048Lys (NM_001407957.1, NM_001407946.1, NM_001407947.1 and 6 more transcripts); c.3095T>A, p.Ile1032Lys (NM_001407959.1, NM_001407960.1, NM_001407963.1); c.3353T>A, p.Ile1118Lys (NM_001407919.1, NM_001407937.1, NM_001407938.1 and 19 more transcripts); c.3092T>A, p.Ile1031Lys (NM_001407962.1); c.3212T>A, p.Ile1071Lys (NM_001407920.1, NM_001407921.1, NM_001407922.1 and 9 more transcripts); and 41 more; short protein forms I1159K, I1112K, I1032K, I1089K, I1132K, I1070K, I1071K, I1048K.
Identifiers: ClinVar variation 578385 (VCV000578385.12), dbSNP rs1567791496, ClinGen allele CA10595029.